The following is an entry in ClinVar:

NM_000748.3(CHRNB2):c.22G>T (p.Val8Leu)

Genes: CHRNB2 (cholinergic receptor nicotinic beta 2 subunit; plus strand), LOC129931511 (ATAC-STARR-seq lymphoblastoid silent region 1363; plus strand). Cytogenetic location: 1q21.3.
Variant type: single nucleotide variant.
Coding change: c.22G>T on transcript NM_000748.3 (MANE Select); coding-DNA position 22, G replaced by T.
Protein change: p.Val8Leu; replaces valine 8 with leucine.
Molecular consequence: missense variant.
Genome position (GRCh38, 1-based): chr1:154,568,066, G>T. VCF-style: chr1-154568066-G-T. GRCh37 (hg19) VCF-style: chr1-154540542-G-T.
Other names: short protein forms V8L.
Identifiers: ClinVar variation 1412413 (VCV001412413.8), dbSNP rs772815972, ClinGen allele CA1130595.
Genomic context (GRCh38, chr1:154,568,066, plus strand): 5'-CCAGCCGGTGTAGGCGAGGCAGCGAGCTATGCCCGCGGCATGGCCCGGCGCTGCGGCCCC[G>T]TGGCGCTGCTCCTTGGCTTCGGCCTCCTCCGGCTGTGCTCAGGTAAGGGAAAGACGGGCA-3'
Protein context (NP_000739.1, residues 1-18): MARRCGP[Val8Leu]ALLLGFGLLR

ClinVar aggregate classification (germline): Uncertain significance (1 of 4 stars; one submission).

Conditions:
Familial sleep-related hypermotor epilepsy. Also called: Autosomal Dominant Sleep-Related Hypermotor (Hyperkinetic) Epilepsy. Identifiers: Orphanet 98784, MedGen C3696898, MONDO:0000030.

Allele frequency attached by ClinVar (database versions not stated): gnomAD exomes 0.00001; ExAC 0.00004.
gnomAD v4.1: 3 of 1,602,488 alleles (0.00019%); highest among the groups gnomAD compares: Admixed American, 0.0034%; no homozygotes.

Submission:

Labcorp Genetics (formerly Invitae), Labcorp
Classification: Uncertain significance. Last evaluated: 2025-02-19. Review status: criteria provided, single submitter. Criteria: Invitae Variant Classification Sherloc (09022015). Collection method: clinical testing. Allele origin: germline.
Comment: This sequence change replaces valine, which is neutral and non-polar, with leucine, which is neutral and non-polar, at codon 8 of the CHRNB2 protein (p.Val8Leu). The frequency data for this variant in the population databases is considered unreliable, as metrics indicate poor data quality at this position in the gnomAD database. This variant has not been reported in the literature in individuals affected with CHRNB2-related conditions. ClinVar contains an entry for this variant (Variation ID: 1412413). Invitae Evidence Modeling of protein sequence and biophysical properties (such as structural, functional, and spatial information, amino acid conservation, physicochemical variation, residue mobility, and thermodynamic stability) indicates that this missense variant is not expected to disrupt CHRNB2 protein function with a negative predictive value of 95%. In summary, the available evidence is currently insufficient to determine the role of this variant in disease. Therefore, it has been classified as a Variant of Uncertain Significance.